The following is an entry in ClinVar:

ClinVar aggregate classification (germline): Uncertain significance (1 of 4 stars; one submission).

Allele frequency attached by ClinVar (database versions not stated): gnomAD exomes below 0.00001.
gnomAD v4.1: 1 of 1,612,922 alleles (0.000062%); highest among the groups gnomAD compares: African/African-American, 0.0013%; no homozygotes.

Submission:

Ambry Genetics
Classification: Uncertain significance. Last evaluated: 2024-01-07. Review status: criteria provided, single submitter. Criteria: Ambry Variant Classification Scheme 2023. Collection method: clinical testing. Allele origin: germline.
Comment: The p.P2269S variant (also known as c.6805C>T), located in coding exon 23 of the POLQ gene, results from a C to T substitution at nucleotide position 6805. The proline at codon 2269 is replaced by serine, an amino acid with similar properties. This amino acid position is conserved. In addition, this alteration is predicted to be tolerated by in silico analysis. Since supporting evidence is limited at this time, the clinical significance of this alteration remains unclear.

NM_199420.4(POLQ):c.6805C>T (p.Pro2269Ser)

Gene: POLQ (DNA polymerase theta; minus strand). Cytogenetic location: 3q13.33.
Variant type: single nucleotide variant.
Coding change: c.6805C>T on transcript NM_199420.4 (MANE Select); coding-DNA position 6805, C replaced by T.
Protein change: p.Pro2269Ser; replaces proline 2269 with serine.
Molecular consequence: missense variant.
Genome position (GRCh38, 1-based): chr3:121,468,345, G>A on the plus strand (C>T on the coding strand, the complement: POLQ is on the minus strand). VCF-style: chr3-121468345-G-A. GRCh37 (hg19) VCF-style: chr3-121187192-G-A.
Other names: short protein forms P2269S.
Identifiers: ClinVar variation 3230122 (VCV003230122.1), dbSNP rs2546770706, ClinGen allele CA354111361.